The following is an entry in ClinVar:

NM_007294.4(BRCA1):c.499A>G (p.Thr167Ala)

Gene: BRCA1 (BRCA1 DNA repair associated; minus strand). Cytogenetic location: 17q21.31.
Variant type: single nucleotide variant.
Coding change: c.499A>G on transcript NM_007294.4 (MANE Select); coding-DNA position 499, A replaced by G.
Protein change: p.Thr167Ala; replaces threonine 167 with alanine.
Molecular consequence: missense variant. On other transcripts: non-coding transcript variant (1).
Genome position (GRCh38, 1-based): chr17:43,099,823, T>C on the plus strand (A>G on the coding strand, the complement: BRCA1 is on the minus strand). VCF-style: chr17-43099823-T-C. GRCh37 (hg19) VCF-style: chr17-41251840-T-C.
Other names: c.286A>G, p.Thr96Ala (NM_001407897.1, NM_001407898.1, NM_001407899.1 and 18 more transcripts); c.289A>G, p.Thr97Ala (NM_001407900.1, NM_001407902.1, NM_001407904.1 and 37 more transcripts); c.499A>G, p.Thr167Ala (NM_001407919.1, NM_001407937.1, NM_001407938.1 and 97 more transcripts); c.358A>G, p.Thr120Ala (NM_001407920.1, NM_001407921.1, NM_001407922.1 and 61 more transcripts); c.355A>G, p.Thr119Ala (NM_001407930.1, NM_001407931.1, NM_001407932.1 and 35 more transcripts); c.496A>G, p.Thr166Ala (NM_001407940.1, NM_001407941.1, NM_001407972.1 and 65 more transcripts); c.118A>G, p.Thr40Ala (NM_001407959.1, NM_001407960.1, NM_001407963.1 and 3 more transcripts); c.115A>G, p.Thr39Ala (NM_001407962.1); and 4 more; short protein forms T120A, T167A, T140A, T166A, T119A, T40A, T96A, T97A.
Identifiers: ClinVar variation 825351 (VCV000825351.5), dbSNP rs1597887891, ClinGen allele CA10601143.
Genomic context (GRCh38, chr17:43,099,823, plus strand): 5'-TGAGACCCTTACCCAATTCAATGTAGACAGACGTCTTTTGAGGTTGTATCCGCTGCTTTG[T>C]CCTCAGAGTTCTCACAGTTCCAAGGTTAGAGAGTTGGACACTGAGACTGGTTTCCTGCTA-3'
Protein context (NP_009225.1, residues 157-177): SNLGTVRTLR[Thr167Ala]KQRIQPQKTS

ClinVar aggregate classification (germline): Uncertain significance (1 of 4 stars; one submission).

Conditions:
Hereditary cancer-predisposing syndrome. Also called: Neoplastic Syndromes, Hereditary; Tumor predisposition; Hereditary neoplastic syndrome; Hereditary Cancer Syndrome. Identifiers: Orphanet 140162, MedGen C0027672, MeSH D009386, MONDO:0015356.

Submission:

Ambry Genetics
Classification: Uncertain significance for Hereditary cancer-predisposing syndrome. Last evaluated: 2018-07-17. Review status: criteria provided, single submitter. Criteria: Ambry Variant Classification Scheme 2023. Collection method: clinical testing. Allele origin: germline.
Comment: The p.T167A variant (also known as c.499A>G), located in coding exon 6 of the BRCA1 gene, results from an A to G substitution at nucleotide position 499. The threonine at codon 167 is replaced by alanine, an amino acid with similar properties. This amino acid position is well conserved in available vertebrate species. In addition, this alteration is predicted to be deleterious by in silico analysis. Since supporting evidence is limited at this time, the clinical significance of this alteration remains unclear.